The following is an entry in ClinVar:

ClinVar aggregate classification (germline): Likely pathogenic (1 of 4 stars; one submission).

Conditions:
Dilated cardiomyopathy 1G (CMD1G). Identifiers: Orphanet 154, MedGen C1858763, MONDO:0011400, OMIM 604145.
Autosomal recessive limb-girdle muscular dystrophy type 2J (LGMDR10). Also called: Limb-girdle muscular dystrophy, type 2J; MUSCULAR DYSTROPHY, LIMB-GIRDLE, AUTOSOMAL RECESSIVE 10. Identifiers: Orphanet 140922, MedGen C1837342, MONDO:0012127, OMIM 608807.

Submission:

Labcorp Genetics (formerly Invitae), Labcorp
Classification: Likely pathogenic for Dilated cardiomyopathy 1G; Autosomal recessive limb-girdle muscular dystrophy type 2J. Last evaluated: 2025-12-31. Review status: criteria provided, single submitter. Criteria: Invitae Variant Classification Sherloc (09022015). Collection method: clinical testing. Allele origin: germline.
Comment: This sequence change inserts a large fragment of DNA, likely a transposable element, in exon 326 of the TTN gene (c.69937_69938ins?), causing a frameshift at codon 23313 (p.Asn23313fs). The exact size and sequence of the insertion cannot be determined by the current assay. While this is not anticipated to result in nonsense mediated decay, it is expected to create a truncated TTN protein. This variant has not been reported in the literature in individuals affected with TTN-related conditions. This variant is located in the A band of TTN (PMID: 25589632). Truncating variants in this region are significantly overrepresented in patients affected with dilated cardiomyopathy (PMID: 25589632). Truncating variants in this region have also been reported in individuals affected with autosomal recessive centronuclear myopathy (PMID: 23975875). Retrotransposon insertions including LINE1 (L1), Alu, and SVA (SINE-VNTR-Alu) have been reported to disrupt protein function (PMID: 19763152, 20307669, 22406018). However the effect of this particular variant is unknown. In summary, the currently available evidence indicates that the variant is pathogenic, but additional data are needed to prove that conclusively. Therefore, this variant has been classified as Likely Pathogenic.

Literature cited by the submitters: PubMed 25589632; PubMed 23975875; PubMed 19763152; PubMed 20307669; PubMed 22406018.

NM_001267550.2(TTN):c.69937_69938insGGCCGGGCGCGGTGGCTCACGCCTGTAATCCCAGCACTTTGGGAGGCCGAGGCGGGCGGATCATGAGGTCANNNNNNNNNNAAAAAAAAAAAAAAAAAAAAAAAGAAAAATACA (p.Tyr23312_Asn23313insArgProGlyAlaValAlaHisAlaCysAsnProSerThrLeuGlyGlyArgGlyGlyArgIleMetArgSerXaaXaaXaaXaaLysLysLysLysLysLysLysGluLysTyr)

Genes: TTN-AS1 (TTN antisense RNA 1; plus strand), TTN (titin; minus strand), LOC126806422 (BRD4-independent group 4 enhancer GRCh37_chr2:179440205-179441404; plus strand). Cytogenetic location: 2q31.2.
Variant type: Insertion.
Coding change: c.69937_69938insGGCCGGGCGCGGTGGCTCACGCCTGTAATCCCAGCACTTTGGGAGGCCGAGGCGGGCGGATCATGAGGTCANNNNNNNNNNAAAAAAAAAAAAAAAAAAAAAAAGAAAAATACA on transcript NM_001267550.2 (MANE Select); coding-DNA positions 69937 to 69938, GGCCGGGCGCGGTGGCTCACGCCTGTAATCCCAGCACTTTGGGAGGCCGAGGCGGGCGGATCATGAGGTCANNNNNNNNNNAAAAAAAAAAAAAAAAAAAAAAAGAAAAATACA inserted.
Protein change: p.Tyr23312_Asn23313insArgProGlyAlaValAlaHisAlaCysAsnProSerThrLeuGlyGlyArgGlyGlyArgIleMetArgSerXaaXaaXaaXaaLysLysLysLysLysLysLysGluLysTyr.
Molecular consequence: inframe insertion.
Genome position: GRCh38: chr2:178,576,207-178,576,208. GRCh37 (hg19): chr2:179,440,934-179,440,935.
Other names: c.65014_65015insGGCCGGGCGCGGTGGCTCACGCCTGTAATCCCAGCACTTTGGGAGGCCGAGGCGGGCGGATCATGAGGTCANNNNNNNNNNAAAAAAAAAAAAAAAAAAAAAAAGAAAAATACA, p.Tyr21671_Asn21672insArgProGlyAlaValAlaHisAlaCysAsnProSerThrLeuGlyGlyArgGlyGlyArgIleMetArgSerXaaXaaXaaXaaLysLysLysLysLysLysLysGluLysTyr (NM_001256850.1); c.42742_42743insGGCCGGGCGCGGTGGCTCACGCCTGTAATCCCAGCACTTTGGGAGGCCGAGGCGGGCGGATCATGAGGTCANNNNNNNNNNAAAAAAAAAAAAAAAAAAAAAAAGAAAAATACA, p.Tyr14247_Asn14248insArgProGlyAlaValAlaHisAlaCysAsnProSerThrLeuGlyGlyArgGlyGlyArgIleMetArgSerXaaXaaXaaXaaLysLysLysLysLysLysLysGluLysTyr (NM_003319.4); c.62233_62234insGGCCGGGCGCGGTGGCTCACGCCTGTAATCCCAGCACTTTGGGAGGCCGAGGCGGGCGGATCATGAGGTCANNNNNNNNNNAAAAAAAAAAAAAAAAAAAAAAAGAAAAATACA, p.Tyr20744_Asn20745insArgProGlyAlaValAlaHisAlaCysAsnProSerThrLeuGlyGlyArgGlyGlyArgIleMetArgSerXaaXaaXaaXaaLysLysLysLysLysLysLysGluLysTyr (NM_133378.4); c.43117_43118insGGCCGGGCGCGGTGGCTCACGCCTGTAATCCCAGCACTTTGGGAGGCCGAGGCGGGCGGATCATGAGGTCANNNNNNNNNNAAAAAAAAAAAAAAAAAAAAAAAGAAAAATACA, p.Tyr14372_Asn14373insArgProGlyAlaValAlaHisAlaCysAsnProSerThrLeuGlyGlyArgGlyGlyArgIleMetArgSerXaaXaaXaaXaaLysLysLysLysLysLysLysGluLysTyr (NM_133432.3); c.43318_43319insGGCCGGGCGCGGTGGCTCACGCCTGTAATCCCAGCACTTTGGGAGGCCGAGGCGGGCGGATCATGAGGTCANNNNNNNNNNAAAAAAAAAAAAAAAAAAAAAAAGAAAAATACA, p.Tyr14439_Asn14440insArgProGlyAlaValAlaHisAlaCysAsnProSerThrLeuGlyGlyArgGlyGlyArgIleMetArgSerXaaXaaXaaXaaLysLysLysLysLysLysLysGluLysTyr (NM_133437.4).
Identifiers: ClinVar variation 2941523 (VCV002941523.3), dbSNP rs2468716259.